The following is an entry in ClinVar:

NM_017849.4(TMEM127):c.20C>T (p.Ala7Val)

Genes: TMEM127 (transmembrane protein 127; minus strand), LOC129934333 (ATAC-STARR-seq lymphoblastoid silent region 11759; plus strand). Cytogenetic location: 2q11.2.
Variant type: single nucleotide variant.
Coding change: c.20C>T on transcript NM_017849.4 (MANE Select); coding-DNA position 20, C replaced by T.
Protein change: p.Ala7Val; replaces alanine 7 with valine.
Molecular consequence: missense variant.
Genome position (GRCh38, 1-based): chr2:96,265,362, G>A on the plus strand (C>T on the coding strand, the complement: TMEM127 is on the minus strand). VCF-style: chr2-96265362-G-A. GRCh37 (hg19) VCF-style: chr2-96931100-G-A.
Other names: c.20C>T (NM_017849.3); c.20C>T, p.Ala7Val (NM_001193304.3); short protein forms A7V.
Identifiers: ClinVar variation 1042590 (VCV001042590.10), dbSNP rs1357430519, ClinGen allele CA347656312.

ClinVar aggregate classification (germline): Uncertain significance. Review status: criteria provided, multiple submitters, no conflicts (2 of 4 stars). 2 submissions from 2 submitters: Uncertain significance (2). Last evaluated 2026-07-06.

Conditions:
Hereditary pheochromocytoma and paraganglioma. Also called: Hereditary paragangliomas and pheochromocytomas; Hereditary Paraganglioma-Pheochromocytoma Syndromes; Hereditary pheochromocytoma-paraganglioma. Identifiers: Orphanet 29072, MedGen C4274332, MONDO:0017366.
Hereditary cancer-predisposing syndrome. Also called: Tumor predisposition; Hereditary Cancer Syndrome; Hereditary neoplastic syndrome; Neoplastic Syndromes, Hereditary. Identifiers: Orphanet 140162, MedGen C0027672, MeSH D009386, MONDO:0015356.

Allele frequency attached by ClinVar (database versions not stated): TOPMed below 0.00001; gnomAD 0.00001.
gnomAD v4.1: 1 of 1,482,954 alleles (0.000067%); highest among the groups gnomAD compares: African/African-American, 0.0014%; no homozygotes.

Submissions (2):

Ambry Genetics
Classification: Uncertain significance for Hereditary cancer-predisposing syndrome. Last evaluated: 2026-07-06. Review status: criteria provided, single submitter. Criteria: Ambry Variant Classification Scheme 2023. Collection method: clinical testing. Allele origin: germline.
Comment: The p.A7V variant (also known as c.20C>T), located in coding exon 1 of the TMEM127 gene, results from a C to T substitution at nucleotide position 20. The alanine at codon 7 is replaced by valine, an amino acid with similar properties. This amino acid position is conserved. In addition, this alteration is predicted to be tolerated by in silico analysis. Based on the available evidence, the clinical significance of this variant remains unclear.

Labcorp Genetics (formerly Invitae), Labcorp
Classification: Uncertain significance for Hereditary pheochromocytoma and paraganglioma. Last evaluated: 2025-02-02. Review status: criteria provided, single submitter. Criteria: Invitae Variant Classification Sherloc (09022015). Collection method: clinical testing. Allele origin: germline.
Comment: This sequence change replaces alanine, which is neutral and non-polar, with valine, which is neutral and non-polar, at codon 7 of the TMEM127 protein (p.Ala7Val). This variant is not present in population databases (gnomAD no frequency). This variant has not been reported in the literature in individuals affected with TMEM127-related conditions. ClinVar contains an entry for this variant (Variation ID: 1042590). Experimental studies and prediction algorithms are not available or were not evaluated, and the functional significance of this variant is currently unknown. In summary, the available evidence is currently insufficient to determine the role of this variant in disease. Therefore, it has been classified as a Variant of Uncertain Significance.